The following is an entry in ClinVar:

ClinVar aggregate classification (germline): Uncertain significance (1 of 4 stars; one submission).

Conditions:
Cardiovascular phenotype. Identifiers: MedGen CN230736.

gnomAD v4.1: 2 of 1,612,810 alleles (0.00012%); highest among the groups gnomAD compares: Admixed American, 0.0017%; no homozygotes.

Submission:

Ambry Genetics
Classification: Uncertain significance for Cardiovascular phenotype. Last evaluated: 2026-01-25. Review status: criteria provided, single submitter. Criteria: Ambry Variant Classification Scheme 2023. Collection method: clinical testing. Allele origin: germline.
Comment: The p.T865A variant (also known as c.2593A>G), located in coding exon 22 of the JAG1 gene, results from an A to G substitution at nucleotide position 2593. The threonine at codon 865 is replaced by alanine, an amino acid with similar properties. This amino acid position is conserved. In addition, this alteration is predicted to be tolerated by in silico analysis. Based on the available evidence, the clinical significance of this variant remains unclear.

NM_000214.3(JAG1):c.2593A>G (p.Thr865Ala)

Gene: JAG1 (jagged canonical Notch ligand 1; minus strand). Cytogenetic location: 20p12.2.
Variant type: single nucleotide variant.
Coding change: c.2593A>G on transcript NM_000214.3 (MANE Select); coding-DNA position 2593, A replaced by G.
Protein change: p.Thr865Ala; replaces threonine 865 with alanine.
Molecular consequence: missense variant.
Genome position (GRCh38, 1-based): chr20:10,641,872, T>C on the plus strand (A>G on the coding strand, the complement: JAG1 is on the minus strand). VCF-style: chr20-10641872-T-C. GRCh37 (hg19) VCF-style: chr20-10622520-T-C.
Other names: short protein forms T865A.
Identifiers: ClinVar variation 4824967 (VCV004824967.1).
Genomic context (GRCh38, chr20:10,641,872, plus strand): 5'-ACTGGCAGGTATTACAGTCATCATCCCATTTGGCCCCATCTGGTATCACACTCCCCATGG[T>C]GATGCAAGGTCTCCCTGAAACTGACAGGTGGAGACGGGTGAGCAGTTTATTTTTCTGTGA-3'
Protein context (NP_000205.1, residues 855-875): CQEVSGRPCI[Thr865Ala]MGSVIPDGAK